The following is an entry in ClinVar:

ClinVar aggregate classification (germline): Uncertain significance (1 of 4 stars; one submission).

Submission:

Greenwood Genetic Center Diagnostic Laboratories, Greenwood Genetic Center
Classification: Uncertain significance. Last evaluated: 2023-03-06. Review status: criteria provided, single submitter. Criteria: ACMG Guidelines, 2015. Collection method: clinical testing. Allele origin: germline. Affected: yes.
Comment: PM2

NM_152594.3(SPRED1):c.-134C>T

Gene: SPRED1 (sprouty related EVH1 domain containing 1; plus strand). Cytogenetic location: 15q14.
Variant type: single nucleotide variant.
Coding change: c.-134C>T on transcript NM_152594.3 (MANE Select); 134 bases upstream of the start codon, C replaced by T.
Molecular consequence: 5 prime UTR variant.
Genome position (GRCh38, 1-based): chr15:38,253,052, C>T. VCF-style: chr15-38253052-C-T. GRCh37 (hg19) VCF-style: chr15-38545253-C-T.
Identifiers: ClinVar variation 2505194 (VCV002505194.1), dbSNP rs2542593868, ClinGen allele CA2580613790.